The following is an entry in ClinVar:

NM_000218.3(KCNQ1):c.74G>C (p.Arg25Pro)

Gene: KCNQ1 (potassium voltage-gated channel subfamily Q member 1; plus strand). Cytogenetic location: 11p15.5.
Variant type: single nucleotide variant.
Coding change: c.74G>C on transcript NM_000218.3 (MANE Select); coding-DNA position 74, G replaced by C.
Protein change: p.Arg25Pro; replaces arginine 25 with proline.
Molecular consequence: missense variant.
Genome position (GRCh38, 1-based): chr11:2,445,172, G>C. VCF-style: chr11-2445172-G-C. GRCh37 (hg19) VCF-style: chr11-2466402-G-C.
Other names: short protein forms R25P.
Identifiers: ClinVar variation 684795 (VCV000684795.7), dbSNP rs1589884210, ClinGen allele CA379116049.
Genomic context (GRCh38, chr11:2,445,172, plus strand): 5'-CCTCCCCGCCCAGGGCCGAGAGGAAGCGCTGGGGTTGGGGCCGCCTGCCAGGCGCCCGGC[G>C]GGGCAGCGCGGGCCTGGCCAAGAAGTGCCCCTTCTCGCTGGAGCTGGCGGAGGGCGGCCC-3'
Protein context (NP_000209.2, residues 15-35): WGWGRLPGAR[Arg25Pro]GSAGLAKKCP

ClinVar aggregate classification (germline): Uncertain significance. Review status: criteria provided, multiple submitters, no conflicts (2 of 4 stars). 2 submissions from 2 submitters: Uncertain significance (2). Last evaluated 2021-08-31.

Conditions:
Conduction disorder of the heart. Also called: Cardiac conduction defect. Identifiers: Orphanet 871, MedGen C0264886, MONDO:0100042, OMIM 115080.
Long QT syndrome (LQTS). Identifiers: MedGen C0023976, MeSH D008133, MONDO:0002442. Disease mechanism: loss of function. Inheritance: Various modes of inheritance.

gnomAD v4.1: 1 of 1,133,620 alleles (0.000088%); highest among the groups gnomAD compares: Non-Finnish European, 0.00011%; no homozygotes.

Submissions (2):

Labcorp Genetics (formerly Invitae), Labcorp
Classification: Uncertain significance for Long QT syndrome. Last evaluated: 2021-08-31. Review status: criteria provided, single submitter. Criteria: Invitae Variant Classification Sherloc (09022015). Collection method: clinical testing. Allele origin: germline.
Comment: This sequence change replaces arginine with proline at codon 25 of the KCNQ1 protein (p.Arg25Pro). The arginine residue is weakly conserved and there is a moderate physicochemical difference between arginine and proline. The frequency data for this variant in the population databases is considered unreliable, as metrics indicate insufficient coverage at this position in the ExAC database. This variant has not been reported in the literature in individuals affected with KCNQ1-related conditions. ClinVar contains an entry for this variant (Variation ID: 684795). Algorithms developed to predict the effect of missense changes on protein structure and function (SIFT, PolyPhen-2, Align-GVGD) all suggest that this variant is likely to be tolerated. In summary, the available evidence is currently insufficient to determine the role of this variant in disease. Therefore, it has been classified as a Variant of Uncertain Significance.

Molecular Diagnostic Laboratory for Inherited Cardiovascular Disease, Montreal Heart Institute
Classification: Uncertain significance for Conduction disorder of the heart. Review status: criteria provided, single submitter. Criteria: ACMG Guidelines, 2015. Collection method: clinical testing. Allele origin: germline. Affected: yes.